The following is an entry in ClinVar:

ClinVar aggregate classification (germline): Uncertain significance. Review status: criteria provided, multiple submitters, no conflicts (2 of 4 stars). 4 submissions from 4 submitters: Uncertain significance (4). Last evaluated 2024-03-28.

Conditions:
Hereditary cancer-predisposing syndrome. Also called: Tumor predisposition; Neoplastic Syndromes, Hereditary; Hereditary Cancer Syndrome; Hereditary neoplastic syndrome. Identifiers: Orphanet 140162, MedGen C0027672, MeSH D009386, MONDO:0015356.
Familial cancer of breast. Also called: BREAST CANCER, FAMILIAL; Hereditary breast cancer; hereditary breast carcinoma. Identifiers: Orphanet 227535, MedGen C0346153, MONDO:0016419, OMIM 114480. Disease mechanism: loss of function.
Ataxia-telangiectasia syndrome (AT). Also called: Ataxia-telangiectasia; LOUIS-BAR SYNDROME; Ataxia-telangiectasia, complementation group D; AT, COMPLEMENTATION GROUP C; ATAXIA-TELANGIECTASIA, COMPLEMENTATION GROUP A; ATAXIA-TELANGIECTASIA, FRESNO VARIANT. Identifiers: Orphanet 100, MedGen C0004135, MONDO:0008840, OMIM 208900.

Submissions (4):

Baylor Genetics
Classification: Uncertain significance for Familial cancer of breast. Last evaluated: 2024-03-28. Review status: criteria provided, single submitter. Criteria: ACMG Guidelines, 2015. Collection method: clinical testing. Allele origin: unknown.

Ambry Genetics
Classification: Uncertain significance for Hereditary cancer-predisposing syndrome. Last evaluated: 2023-02-26. Review status: criteria provided, single submitter. Criteria: Ambry Variant Classification Scheme 2023. Collection method: clinical testing. Allele origin: germline.
Comment: The p.K2253E variant (also known as c.6757A>G), located in coding exon 45 of the ATM gene, results from an A to G substitution at nucleotide position 6757. The lysine at codon 2253 is replaced by glutamic acid, an amino acid with similar properties. This amino acid position is conserved. In addition, this alteration is predicted to be tolerated by in silico analysis. Since supporting evidence is limited at this time, the clinical significance of this alteration remains unclear.

GeneDx
Classification: Uncertain significance. Last evaluated: 2022-11-22. Review status: criteria provided, single submitter. Criteria: GeneDx Variant Classification Process June 2021. Collection method: clinical testing. Allele origin: germline. Affected: yes.
Comment: Not observed at significant frequency in large population cohorts (gnomAD); In silico analysis supports that this missense variant does not alter protein structure/function; Has not been previously published as pathogenic or benign to our knowledge; This variant is associated with the following publications: (PMID: 23532176)

Labcorp Genetics (formerly Invitae), Labcorp
Classification: Uncertain significance for Ataxia-telangiectasia syndrome. Last evaluated: 2021-10-11. Review status: criteria provided, single submitter. Criteria: Invitae Variant Classification Sherloc (09022015). Collection method: clinical testing. Allele origin: germline.
Comment: In summary, the available evidence is currently insufficient to determine the role of this variant in disease. Therefore, it has been classified as a Variant of Uncertain Significance. Advanced modeling of protein sequence and biophysical properties (such as structural, functional, and spatial information, amino acid conservation, physicochemical variation, residue mobility, and thermodynamic stability) performed at Invitae indicates that this missense variant is not expected to disrupt ATM protein function. This variant has not been reported in the literature in individuals affected with ATM-related conditions. This variant is not present in population databases (ExAC no frequency). This sequence change replaces lysine with glutamic acid at codon 2253 of the ATM protein (p.Lys2253Glu). The lysine residue is moderately conserved and there is a small physicochemical difference between lysine and glutamic acid.

NM_000051.4(ATM):c.6757A>G (p.Lys2253Glu)

Genes: ATM (ATM serine/threonine kinase; plus strand), C11orf65 (chromosome 11 open reading frame 65; minus strand). Cytogenetic location: 11q22.3.
Variant type: single nucleotide variant.
Coding change: c.6757A>G on transcript NM_000051.4 (MANE Select); coding-DNA position 6757, A replaced by G.
Protein change: p.Lys2253Glu; replaces lysine 2253 with glutamic acid.
Molecular consequence: missense variant. On other transcripts: intron variant (2).
Genome position (GRCh38, 1-based): chr11:108,325,494, A>G. VCF-style: chr11-108325494-A-G. GRCh37 (hg19) VCF-style: chr11-108196221-A-G.
Other names: c.6757A>G, p.Lys2253Glu (NM_001351834.2); c.641-16423T>C (NM_001330368.2); c.*38+9726T>C (NM_001351110.2); short protein forms K2253E.
Identifiers: ClinVar variation 1386065 (VCV001386065.12), dbSNP rs863224578, ClinGen allele CA382555308.
Genomic context (GRCh38, chr11:108,325,494, plus strand): 5'-ATCCTGATGGAAAAGGAAATGGACAACTCACAAAGAGAATGTATTAAGGACATTCTCACC[A>G]AACACCTTGTAGAACTCTCTATACTGGCCAGAACTTTCAAGAACACTCAGGTAAATACAA-3'
Protein context (NP_000042.3, residues 2243-2263): QRECIKDILT[Lys2253Glu]HLVELSILAR